The following is an entry in ClinVar:

ClinVar aggregate classification (germline): Conflicting classifications of pathogenicity. Review status: criteria provided, conflicting classifications (1 of 4 stars). 2 submissions from 2 submitters: Likely pathogenic (1); Uncertain significance (1). Last evaluated 2022-07-19.

Conditions:
Combined oxidative phosphorylation defect type 14. Also called: Combined oxidative phosphorylation deficiency 14. Identifiers: Orphanet 319519, MedGen C4755312, MONDO:0013986, OMIM 614946.

Submissions (2):

Labcorp Genetics (formerly Invitae), Labcorp
Classification: Uncertain significance for Combined oxidative phosphorylation defect type 14. Last evaluated: 2022-07-19. Review status: criteria provided, single submitter. Criteria: Invitae Variant Classification Sherloc (09022015). Collection method: clinical testing. Allele origin: germline.
Comment: This missense change has been observed in individual(s) with clinical features of FARS2-related conditions (PMID: 28419689). ClinVar contains an entry for this variant (Variation ID: 587670). Advanced modeling of protein sequence and biophysical properties (such as structural, functional, and spatial information, amino acid conservation, physicochemical variation, residue mobility, and thermodynamic stability) performed at Invitae indicates that this missense variant is expected to disrupt FARS2 protein function. Experimental studies have shown that this missense change affects FARS2 function (PMID: 28419689). In summary, the available evidence is currently insufficient to determine the role of this variant in disease. Therefore, it has been classified as a Variant of Uncertain Significance. This variant is not present in population databases (gnomAD no frequency). This sequence change replaces arginine, which is basic and polar, with glycine, which is neutral and non-polar, at codon 153 of the FARS2 protein (p.Arg153Gly).

Wong Mito Lab, Molecular and Human Genetics, Baylor College of Medicine
Classification: Likely pathogenic for Combined oxidative phosphorylation deficiency 14. Last evaluated: 2018-06-13. Review status: criteria provided, single submitter. Criteria: ACMG Guidelines, 2015. Collection method: clinical testing. Allele origin: germline. Affected: yes.

Literature cited by the submitters: PubMed 28419689 (cited by Labcorp Genetics (formerly Invitae), Labcorp).

NM_006567.5(FARS2):c.457A>G (p.Arg153Gly)

Genes: FARS2 (phenylalanyl-tRNA synthetase 2, mitochondrial; plus strand), LOC126859565 (CDK7 strongly-dependent group 2 enhancer GRCh37_chr6:5368745-5369944; plus strand). Cytogenetic location: 6p25.1.
Variant type: single nucleotide variant.
Coding change: c.457A>G on transcript NM_006567.5 (MANE Select); coding-DNA position 457, A replaced by G.
Protein change: p.Arg153Gly; replaces arginine 153 with glycine.
Molecular consequence: missense variant. On other transcripts: intron variant (2).
Genome position (GRCh38, 1-based): chr6:5,369,027, A>G. VCF-style: chr6-5369027-A-G. GRCh37 (hg19) VCF-style: chr6-5369260-A-G.
Other names: c.457A>G, p.Arg153Gly (NM_001318872.2, NM_001374875.1, NM_001374876.1 and 5 more transcripts); c.-340-27606A>G (NM_001375260.1); c.-84-35515A>G (NM_001375259.1); short protein forms R153G.
Identifiers: ClinVar variation 587670 (VCV000587670.7), dbSNP rs1561990337, ClinGen allele CA362735325.